The following is an entry in ClinVar:

NM_000092.5(COL4A4):c.401G>A (p.Gly134Asp)

Gene: COL4A4 (collagen type IV alpha 4 chain; minus strand). Cytogenetic location: 2q36.3.
Variant type: single nucleotide variant.
Coding change: c.401G>A on transcript NM_000092.5 (MANE Select); coding-DNA position 401, G replaced by A.
Protein change: p.Gly134Asp; replaces glycine 134 with aspartic acid.
Molecular consequence: missense variant.
Genome position (GRCh38, 1-based): chr2:227,118,733, C>T on the plus strand (G>A on the coding strand, the complement: COL4A4 is on the minus strand). VCF-style: chr2-227118733-C-T. GRCh37 (hg19) VCF-style: chr2-227983449-C-T.
Other names: short protein forms G134D.
Identifiers: ClinVar variation 3585940 (VCV003585940.2).
Genomic context (GRCh38, chr2:227,118,733, plus strand): 5'-CTTCCTCCTGGAAACCCTGGGTCACCTCTTGAGCCATTGTGGCCACTCATACCAGGTTTG[C>T]CTCTGGGTCCAGGAGGCCCTGGGTGCCCCTGCAGAAAACAAAATTATAAGTGAAGCATTT-3'
Protein context (NP_000083.3, residues 124-144): PGHPGPPGPR[Gly134Asp]KPGMSGHNGS

ClinVar aggregate classification (germline): Likely pathogenic. Review status: criteria provided, multiple submitters, no conflicts (2 of 4 stars). 2 submissions from 2 submitters: Likely pathogenic (2). Last evaluated 2025-09-04.

Conditions:
Alport syndrome. Also called: Hemorrhagic familial nephritis; Hemorrhagic hereditary nephritis; Congenital hereditary hematuria. Identifiers: Orphanet 63, MedGen C1567741, MONDO:0018965.
Autosomal recessive Alport syndrome (ATS2). Also called: COL4A4 Alport Syndrome and Thin Basement Membrane Nephropathy; Alport syndrome type 2; ALPORT SYNDROME 2, AUTOSOMAL RECESSIVE; COL4A3-Related Nephropathy. Identifiers: Orphanet 63, Orphanet 88919, MedGen C4746745, MONDO:0008762, OMIM 203780.
Hematuria, benign familial, 1 (BFH1). Also called: THIN MEMBRANE NEPHROPATHY. Identifiers: MedGen CN376803, MONDO:0007709, OMIM 141200.

Submissions (2):

Natera, Inc.
Classification: Likely pathogenic for Alport syndrome. Last evaluated: 2025-09-04. Review status: criteria provided, single submitter. Criteria: Natera Variant Classification Schema (03/2026). Collection method: clinical testing. Allele origin: germline.
Comment: The c.401G>A variant in COL4A4 is a missense variant predicted to cause substitution of glycine to aspartic acid at amino acid 134. This variant is rare in the general population with a frequency below the threshold expected for the associated phenotype(s). This variant is located in a functionally critical region of the protein. Computational prediction algorithms indicate this variant is likely to affect gene or protein function. Given the available evidence, this variant is classified as Likely Pathogenic.

Fulgent Genetics
Classification: Likely pathogenic for Hematuria, benign familial, 1; Autosomal recessive Alport syndrome. Last evaluated: 2024-05-20. Review status: criteria provided, single submitter. Criteria: ACMG Guidelines, 2015. Collection method: clinical testing. Allele origin: germline.